The following is an entry in ClinVar:

ClinVar aggregate classification (germline): Benign. Review status: criteria provided, single submitter (1 of 4 stars). 2 submissions from 2 submitters: Benign (1). 1 of the submissions does not count toward it. Last evaluated 2026-01-28.

Conditions:
DHX37-related disorder. Also called: DHX37-related condition; DHX37-Related Disorders.

Allele frequency attached by ClinVar (database versions not stated): gnomAD exomes 0.00043; ExAC 0.00122; ESP Exome Variant Server 0.00392; gnomAD 0.00395; TOPMed 0.00442; 1000 Genomes Project 30x 0.00500; 1000 Genomes Project 0.00519.
gnomAD v4.1: 1,243 of 1,614,040 alleles (0.077%); highest among the groups gnomAD compares: African/African-American, 1.5%; 11 homozygotes.

Submissions (2):

Labcorp Genetics (formerly Invitae), Labcorp
Classification: Benign. Last evaluated: 2026-01-28. Review status: criteria provided, single submitter. Criteria: Invitae Variant Classification Sherloc (09022015). Collection method: clinical testing. Allele origin: germline.

PreventionGenetics, part of Exact Sciences
Classification: Benign for DHX37-related condition. Last evaluated: 2020-01-17. Review status: no assertion criteria provided. Collection method: clinical testing. Allele origin: germline. Not counted in ClinVar's aggregate classification.
Comment: This variant is classified as benign based on ACMG/AMP sequence variant interpretation guidelines (Richards et al. 2015 PMID: 25741868, with internal and published modifications).

NM_032656.4(DHX37):c.1284G>A (p.Pro428=)

Gene: DHX37 (DEAH-box helicase 37; minus strand). Cytogenetic location: 12q24.31.
Variant type: single nucleotide variant.
Coding change: c.1284G>A on transcript NM_032656.4 (MANE Select); coding-DNA position 1284, G replaced by A.
Protein change: p.Pro428=; no amino-acid change (proline 428 retained).
Molecular consequence: synonymous variant.
Genome position (GRCh38, 1-based): chr12:124,968,876, C>T on the plus strand (G>A on the coding strand, the complement: DHX37 is on the minus strand). VCF-style: chr12-124968876-C-T. GRCh37 (hg19) VCF-style: chr12-125453422-C-T.
Other names: c.1284G>A (NM_032656.3).
Identifiers: ClinVar variation 2039131 (VCV002039131.6), dbSNP rs116091014, ClinGen allele CA6872121.